The following is an entry in ClinVar:

ClinVar aggregate classification (germline): Uncertain significance (1 of 4 stars; one submission).

Submission:

Ambry Genetics
Classification: Uncertain significance. Last evaluated: 2024-02-02. Review status: criteria provided, single submitter. Criteria: Ambry Variant Classification Scheme 2023. Collection method: clinical testing. Allele origin: germline.
Comment: The p.G482D variant (also known as c.1445G>A), located in coding exon 9 of the POLQ gene, results from a G to A substitution at nucleotide position 1445. The glycine at codon 482 is replaced by aspartic acid, an amino acid with similar properties. This amino acid position is conserved. In addition, this alteration is predicted to be deleterious by in silico analysis. Based on the available evidence, the clinical significance of this alteration remains unclear.

NM_199420.4(POLQ):c.1445G>A (p.Gly482Asp)

Gene: POLQ (DNA polymerase theta; minus strand). Cytogenetic location: 3q13.33.
Variant type: single nucleotide variant.
Coding change: c.1445G>A on transcript NM_199420.4 (MANE Select); coding-DNA position 1445, G replaced by A.
Protein change: p.Gly482Asp; replaces glycine 482 with aspartic acid.
Molecular consequence: missense variant.
Genome position (GRCh38, 1-based): chr3:121,519,894, C>T on the plus strand (G>A on the coding strand, the complement: POLQ is on the minus strand). VCF-style: chr3-121519894-C-T. GRCh37 (hg19) VCF-style: chr3-121238741-C-T.
Other names: short protein forms G482D.
Identifiers: ClinVar variation 3229837 (VCV003229837.1), dbSNP rs2048325616, ClinGen allele CA354118961.